The following is an entry in ClinVar:

ClinVar aggregate classification (germline): Uncertain significance. Review status: criteria provided, multiple submitters, no conflicts (2 of 4 stars). 2 submissions from 2 submitters: Uncertain significance (2). Last evaluated 2024-03-13.

Conditions:
OPA1-related optic atrophy with or without extraocular features. Identifiers: MedGen CN322459, MONDO:0800181.

Submissions (2):

Broad Center for Mendelian Genomics, Broad Institute of MIT and Harvard
Classification: Uncertain significance for OPA1-related optic atrophy with or without extraocular features. Last evaluated: 2024-03-13. Review status: criteria provided, single submitter. Criteria: ACMG Guidelines, 2015. Collection method: curation. Allele origin: germline. Inheritance: Autosomal dominant inheritance.
Comment: Trio exome analysis showed this variant to be de novo. We believe this is a phenotype expansion for OPA1-related optic atrophy. The p.Leu1011Pro variant in OPA1 has not been previously reported in the literature in individuals with OPA1-related optic atrophy. This variant has also been reported in ClinVar (Variation ID: 1376014) and has been interpreted as a variant of uncertain significance by Invitae. This variant was absent from large population studies. Computational prediction tools and conservation analyses suggest that this variant may impact the protein, though this information is not predictive enough to determine pathogenicity. In summary, the clinical significance of the p.Leu1011Pro variant is uncertain. ACMG/AMP Criteria applied: PS2_Supporting, PM2_Supporting, PP3 (Richards 2015).

Labcorp Genetics (formerly Invitae), Labcorp
Classification: Uncertain significance. Last evaluated: 2021-02-26. Review status: criteria provided, single submitter. Criteria: Invitae Variant Classification Sherloc (09022015). Collection method: clinical testing. Allele origin: germline.
Comment: In summary, the available evidence is currently insufficient to determine the role of this variant in disease. Therefore, it has been classified as a Variant of Uncertain Significance. Advanced modeling of protein sequence and biophysical properties (such as structural, functional, and spatial information, amino acid conservation, physicochemical variation, residue mobility, and thermodynamic stability) performed at Invitae indicates that this missense variant is expected to disrupt OPA1 protein function. This variant has not been reported in the literature in individuals with OPA1-related conditions. This variant is not present in population databases (ExAC no frequency). This sequence change replaces leucine with proline at codon 956 of the OPA1 protein (p.Leu956Pro). The leucine residue is highly conserved and there is a moderate physicochemical difference between leucine and proline.

Literature cited by the submitters: PubMed 39033378 (cited by Broad Center for Mendelian Genomics, Broad Institute of MIT and Harvard).

NM_130837.3(OPA1):c.3032T>C (p.Leu1011Pro)

Gene: OPA1 (OPA1 mitochondrial dynamin like GTPase; plus strand). Cytogenetic location: 3q29.
Variant type: single nucleotide variant.
Coding change: c.3032T>C on transcript NM_130837.3 (MANE Select); coding-DNA position 3032, T replaced by C.
Protein change: p.Leu1011Pro; replaces leucine 1011 with proline.
Molecular consequence: missense variant.
Genome position (GRCh38, 1-based): chr3:193,692,111, T>C. VCF-style: chr3-193692111-T-C. GRCh37 (hg19) VCF-style: chr3-193409900-T-C.
Other names: NM_130837.3(OPA1):c.3032T>C; p.Leu1011Pro; c.2498T>C, p.Leu833Pro (NM_001354663.2); c.2495T>C, p.Leu832Pro (NM_001354664.2); c.2867T>C, p.Leu956Pro (NM_015560.3); c.2759T>C, p.Leu920Pro (NM_130831.3); c.2813T>C, p.Leu938Pro (NM_130832.3); c.2870T>C, p.Leu957Pro (NM_130833.3); and 3 more; short protein forms L833P, L956P, L957P, L938P, L975P, L993P, L1011P, L974P.
Identifiers: ClinVar variation 1376014 (VCV001376014.9), dbSNP rs2109460739, ClinGen allele CA355873340.